The following is an entry in ClinVar:

ClinVar aggregate classification (germline): Uncertain significance. Review status: criteria provided, multiple submitters, no conflicts (2 of 4 stars). 2 submissions from 2 submitters: Uncertain significance (2). Last evaluated 2025-05-14.

Conditions:
Hereditary cancer-predisposing syndrome. Also called: Neoplastic Syndromes, Hereditary; Hereditary Cancer Syndrome; Tumor predisposition; Hereditary neoplastic syndrome. Identifiers: Orphanet 140162, MedGen C0027672, MeSH D009386, MONDO:0015356.
Tumor predisposition syndrome 3 (TPDS3). Also called: Glioma susceptibility 9; LONG TELOMERE SYNDROME, POT1-RELATED; POT1 Tumor Predisposition; Melanoma, cutaneous malignant, susceptibility to, 10. Identifiers: Orphanet 618, MedGen C4014476, MONDO:0014368, OMIM 615848.

Submissions (2):

Labcorp Genetics (formerly Invitae), Labcorp
Classification: Uncertain significance for Tumor predisposition syndrome 3. Last evaluated: 2025-05-14. Review status: criteria provided, single submitter. Criteria: Invitae Variant Classification Sherloc (09022015). Collection method: clinical testing. Allele origin: germline.
Comment: This sequence change replaces valine, which is neutral and non-polar, with methionine, which is neutral and non-polar, at codon 50 of the POT1 protein (p.Val50Met). This variant is not present in population databases (gnomAD no frequency). This variant has not been reported in the literature in individuals affected with POT1-related conditions. ClinVar contains an entry for this variant (Variation ID: 2585770). Invitae Evidence Modeling of protein sequence and biophysical properties (such as structural, functional, and spatial information, amino acid conservation, physicochemical variation, residue mobility, and thermodynamic stability) indicates that this missense variant is not expected to disrupt POT1 protein function with a negative predictive value of 80%. In summary, the available evidence is currently insufficient to determine the role of this variant in disease. Therefore, it has been classified as a Variant of Uncertain Significance.

Ambry Genetics
Classification: Uncertain significance for Hereditary cancer-predisposing syndrome. Last evaluated: 2023-09-14. Review status: criteria provided, single submitter. Criteria: Ambry Variant Classification Scheme 2023. Collection method: clinical testing. Allele origin: germline.
Comment: The p.V50M variant (also known as c.148G>A), located in coding exon 3 of the POT1 gene, results from a G to A substitution at nucleotide position 148. The valine at codon 50 is replaced by methionine, an amino acid with highly similar properties. This amino acid position is conserved. In addition, this alteration is predicted to be tolerated by in silico analysis. Since supporting evidence is limited at this time, the clinical significance of this alteration remains unclear.

NM_015450.3(POT1):c.148G>A (p.Val50Met)

Gene: POT1 (protection of telomeres 1; minus strand). Cytogenetic location: 7q31.33.
Variant type: single nucleotide variant.
Coding change: c.148G>A on transcript NM_015450.3 (MANE Select); coding-DNA position 148, G replaced by A.
Protein change: p.Val50Met; replaces valine 50 with methionine.
Molecular consequence: missense variant. On other transcripts: non-coding transcript variant (3), intron variant (1).
Genome position (GRCh38, 1-based): chr7:124,871,018, C>T on the plus strand (G>A on the coding strand, the complement: POT1 is on the minus strand). VCF-style: chr7-124871018-C-T. GRCh37 (hg19) VCF-style: chr7-124511072-C-T.
Other names: c.-138-7378G>A (NM_001042594.2); short protein forms V50M.
Identifiers: ClinVar variation 2585770 (VCV002585770.3), dbSNP rs1688233518, ClinGen allele CA369061663.
Genomic context (GRCh38, chr7:124,871,018, plus strand): 5'-GAAGGGCTTCATAGTTTCCACTAAAGAGCAGGCAAGTTAGTTTTACATTTGTCTGGTCCA[C>T]AATAGTTACAACTGAGCAATAATCTGGAAAACACAAAAATATTTTACCTGACTTTCAATA-3'
Protein context (NP_056265.2, residues 40-60): GTDYCSVVTI[Val50Met]DQTNVKLTCL